The following is an entry in ClinVar:

NM_001164277.2(SLC37A4):c.1148C>G (p.Pro383Arg)

Gene: SLC37A4 (solute carrier family 37 member 4; minus strand). Cytogenetic location: 11q23.3.
Variant type: single nucleotide variant.
Coding change: c.1148C>G on transcript NM_001164277.2 (MANE Select); coding-DNA position 1148, C replaced by G.
Protein change: p.Pro383Arg; replaces proline 383 with arginine.
Molecular consequence: missense variant.
Genome position (GRCh38, 1-based): chr11:119,025,052, G>C on the plus strand (C>G on the coding strand, the complement: SLC37A4 is on the minus strand). VCF-style: chr11-119025052-G-C. GRCh37 (hg19) VCF-style: chr11-118895762-G-C.
Other names: c.1214C>G, p.Pro405Arg (NM_001164278.2); c.929C>G, p.Pro310Arg (NM_001164279.2); c.1148C>G, p.Pro383Arg (NM_001164280.2, NM_001467.6); short protein forms P383R, P405R, P310R.
Identifiers: ClinVar variation 1733018 (VCV001733018.2), dbSNP rs1555190400, ClinGen allele CA382894728.

ClinVar aggregate classification (germline): Uncertain significance (1 of 4 stars; one submission).

Conditions:
Inborn genetic diseases. Identifiers: MedGen C0950123, MeSH D030342.

Submission:

Ambry Genetics
Classification: Uncertain significance for Inborn genetic diseases. Last evaluated: 2021-11-02. Review status: criteria provided, single submitter. Criteria: Ambry Variant Classification Scheme 2023. Collection method: clinical testing. Allele origin: germline.
Comment: The p.P383R variant (also known as c.1148C>G), located in coding exon 8 of the SLC37A4 gene, results from a C to G substitution at nucleotide position 1148. The proline at codon 383 is replaced by arginine, an amino acid with dissimilar properties. This amino acid position is conserved. In addition, this alteration is predicted to be deleterious by in silico analysis. Since supporting evidence is limited at this time, the clinical significance of this alteration remains unclear.